The following is an entry in ClinVar:

ClinVar aggregate classification (germline): Conflicting classifications of pathogenicity. Review status: criteria provided, conflicting classifications (1 of 4 stars). 3 submissions from 3 submitters: Uncertain significance (2); Likely benign (1). Last evaluated 2025-03-08.

Conditions:
Holoprosencephaly 9 (HPE9). Also called: HOLOPROSENCEPHALY WITH MICROPHTHALMIA AND FIRST BRANCHIAL ARCH ANOMALIES; PITUITARY ANOMALIES WITH HOLOPROSENCEPHALY-LIKE FEATURES. Identifiers: Orphanet 2162, MedGen C1835819, MONDO:0012563, OMIM 610829.
Postaxial polydactyly-anterior pituitary anomalies-facial dysmorphism syndrome. Also called: Culler-Jones syndrome. Identifiers: Orphanet 420584, MedGen C4014479, MONDO:0014369, OMIM 615849.
Inborn genetic diseases. Identifiers: MedGen C0950123, MeSH D030342.

Allele frequency attached by ClinVar (database versions not stated): gnomAD 0.00001; TOPMed 0.00001; ExAC 0.00003; gnomAD exomes 0.00007.
gnomAD v4.1: 96 of 1,613,022 alleles (0.006%); highest among the groups gnomAD compares: Non-Finnish European, 0.008%; no homozygotes.

Submissions (3):

Ambry Genetics
Classification: Uncertain significance for Inborn genetic diseases. Last evaluated: 2025-03-08. Review status: criteria provided, single submitter. Criteria: Ambry Variant Classification Scheme 2023. Collection method: clinical testing. Allele origin: germline.

Labcorp Genetics (formerly Invitae), Labcorp
Classification: Uncertain significance for Postaxial polydactyly-anterior pituitary anomalies-facial dysmorphism syndrome; Holoprosencephaly 9. Last evaluated: 2024-10-30. Review status: criteria provided, single submitter. Criteria: Invitae Variant Classification Sherloc (09022015). Collection method: clinical testing. Allele origin: germline.
Comment: This sequence change replaces serine, which is neutral and polar, with phenylalanine, which is neutral and non-polar, at codon 1115 of the GLI2 protein (p.Ser1115Phe). This variant is present in population databases (rs768624852, gnomAD 0.007%). This variant has not been reported in the literature in individuals affected with GLI2-related conditions. ClinVar contains an entry for this variant (Variation ID: 2415475). Invitae Evidence Modeling of protein sequence and biophysical properties (such as structural, functional, and spatial information, amino acid conservation, physicochemical variation, residue mobility, and thermodynamic stability) indicates that this missense variant is not expected to disrupt GLI2 protein function with a negative predictive value of 80%. In summary, the available evidence is currently insufficient to determine the role of this variant in disease. Therefore, it has been classified as a Variant of Uncertain Significance.

Blueprint Genetics
Classification: Likely benign. Last evaluated: 2023-12-28. Review status: criteria provided, single submitter. Criteria: ACMG Guidelines, 2015. Collection method: clinical testing. Allele origin: germline.

NM_001374353.1(GLI2):c.3293C>T (p.Ser1098Phe)

Gene: GLI2 (GLI family zinc finger 2; plus strand). Cytogenetic location: 2q14.2.
Variant type: single nucleotide variant.
Coding change: c.3293C>T on transcript NM_001374353.1 (MANE Select); coding-DNA position 3293, C replaced by T.
Protein change: p.Ser1098Phe; replaces serine 1098 with phenylalanine.
Molecular consequence: missense variant.
Genome position (GRCh38, 1-based): chr2:120,989,258, C>T. VCF-style: chr2-120989258-C-T. GRCh37 (hg19) VCF-style: chr2-121746834-C-T.
Other names: c.3344C>T, p.Ser1115Phe (NM_001371271.1, NM_005270.5); c.2918C>T, p.Ser973Phe (NM_001374354.1); c.3344C>T (NM_005270.4); short protein forms S1098F, S1115F, S973F.
Identifiers: ClinVar variation 2415475 (VCV002415475.7), dbSNP rs768624852, ClinGen allele CA1852367.